The following is an entry in ClinVar:

NM_001365088.1(SLC12A6):c.411+10del

Gene: SLC12A6 (solute carrier family 12 member 6; minus strand). Cytogenetic location: 15q14.
Variant type: Deletion.
Coding change: c.411+10del on transcript NM_001365088.1 (MANE Select); 10 bases into the intron after coding-DNA position 411, one base deleted (T; older notation c.411+10delT).
Molecular consequence: intron variant.
Genome position (GRCh38, 1-based): chr15:34,260,916, A deleted on the plus strand (T on the coding strand, the reverse complement: SLC12A6 is on the minus strand); the first of 4 consecutive A bases (chr15:34,260,916-34,260,919); deleting any one gives the same sequence. VCF-style (leftmost placement, unchanged base first): chr15-34260915-CA-C. GRCh37 (hg19) VCF-style: chr15-34553116-CA-C.
Other names: c.234+10del (NM_001042495.2, NM_001042494.2); c.384+10del (NM_001042496.2); c.366+10del (NM_001042497.2); c.411+10del (NM_133647.2); c.258+10del (NM_005135.2); c.411+10delT (NM_133647.2).
Identifiers: ClinVar variation 315622 (VCV000315622.19), dbSNP rs377536268, ClinGen allele CA7464577.

ClinVar aggregate classification (germline): Benign/Likely benign. Review status: criteria provided, multiple submitters, no conflicts (2 of 4 stars). 3 submissions from 3 submitters: Benign (1); Likely benign (2). Last evaluated 2025-07-01.

Conditions:
Agenesis of the corpus callosum with peripheral neuropathy (ACCPN). Also called: CHARLEVOIX DISEASE; POLYNEUROPATHY, SENSORIMOTOR, WITH OR WITHOUT AGENESIS OF THE CORPUS CALLOSUM; HMSN/ACC; Hereditary Motor and Sensory Neuropathy with Agenesis of the Corpus Callosum. Identifiers: Orphanet 1496, MedGen C0795950, MONDO:0000902, OMIM 218000. Disease mechanism: loss of function.

Submissions (3):

Labcorp Genetics (formerly Invitae), Labcorp
Classification: Benign. Last evaluated: 2025-07-01. Review status: criteria provided, single submitter. Criteria: Invitae Variant Classification Sherloc (09022015). Collection method: clinical testing. Allele origin: germline.

Women's Health and Genetics/Laboratory Corporation of America, LabCorp
Classification: Likely benign. Last evaluated: 2024-11-25. Review status: criteria provided, single submitter. Criteria: LabCorp Variant Classification Summary - May 2015. Collection method: clinical testing. Allele origin: germline.
Comment: Variant summary: SLC12A6 c.411+10delT alters a conserved nucleotide located at a position not widely known to affect splicing. Consensus agreement among computation tools predict no significant impact on normal splicing. However, these predictions have yet to be confirmed by functional studies. The variant allele was found at a frequency of 0.00018 in 250888 control chromosomes. This frequency is not significantly higher than estimated for a pathogenic variant in SLC12A6 causing Agenesis of the corpus callosum with peripheral neuropathy, allowing no conclusion about variant significance. To our knowledge, no occurrence of c.411+10delT in individuals affected with Agenesis of the corpus callosum with peripheral neuropathy and no experimental evidence demonstrating its impact on protein function have been reported. ClinVar contains an entry for this variant (Variation ID: 315622). Based on the evidence outlined above, the variant was classified as likely benign.

Genome-Nilou Lab
Classification: Likely benign for Agenesis of the corpus callosum with peripheral neuropathy. Last evaluated: 2021-07-15. Review status: criteria provided, single submitter. Criteria: ACMG Guidelines, 2015. Collection method: clinical testing. Allele origin: germline. Affected: no.